The following is an entry in ClinVar:

ClinVar aggregate classification (germline): Pathogenic (1 of 4 stars; one submission).

Submission:

Dasa
Classification: Pathogenic. Last evaluated: 2025-03-20. Review status: criteria provided, single submitter. Criteria: DASA Assertion Criteria. Collection method: clinical testing. Allele origin: germline.
Comment: NM_022124.6(CDH23):c.284_285insT (p.Arg95Serfs*33) introduces a premature termination codon predicted to result in loss of normal protein function. Loss-of-function is an established mechanism of disease for this gene. Based on the available data, this variant is classified as pathogenic.

NM_022124.6(CDH23):c.284_285insT (p.Arg95fs)

Genes: CDH23 (cadherin related 23; plus strand), CDH23-AS1 (CDH23 antisense RNA 1; minus strand). Cytogenetic location: 10q22.1.
Variant type: Insertion.
Coding change: c.284_285insT on transcript NM_022124.6 (MANE Select); coding-DNA positions 284 to 285, T inserted.
Protein change: p.Arg95fs; shifts the reading frame from arginine 95.
Molecular consequence: frameshift variant.
Genome position: GRCh38 VCF-style: chr10-71510220-G-GT. GRCh37 (hg19) VCF-style: chr10-73269977-G-GT.
Other names: c.284_285insT, p.Arg95fs (NM_001171930.2, NM_001171931.2, NM_001171932.2 and 1 more transcripts); short protein forms R95fs.
Identifiers: ClinVar variation 4852010 (VCV004852010.1).
Genomic context (GRCh38, chr10:71,510,220, plus strand): 5'-CTCGCTTCTTTGCAGTGGAGCCTGACACTGGCGTGGTGTGGCTCCGGCAGCCACTGGACA[G>GT]AGAGGTATGACTTGCCCATACCCCTGCCCCAATTCTCTCCTGGGGACAGGAGGAGACACT-3'